The following is an entry in ClinVar:

ClinVar aggregate classification (germline): Benign/Likely benign. Review status: criteria provided, multiple submitters, no conflicts (2 of 4 stars). 3 submissions from 3 submitters: Benign (1); Likely benign (1). 1 of the submissions does not count toward it. Last evaluated 2025-11-17.

Conditions:
FASN-related disorder. Also called: FASN-related condition.
Epileptic encephalopathy. Identifiers: MedGen C0543888, HP:0200134.

Allele frequency attached by ClinVar (database versions not stated): ESP Exome Variant Server 0.00147; gnomAD 0.00157 and 0.00170; gnomAD exomes 0.00040; ExAC 0.00052; TOPMed 0.00180; 1000 Genomes Project 0.00260; 1000 Genomes Project 30x 0.00281.

Submissions (3):

Labcorp Genetics (formerly Invitae), Labcorp
Classification: Benign for Epileptic encephalopathy. Last evaluated: 2025-11-17. Review status: criteria provided, single submitter. Criteria: Invitae Variant Classification Sherloc (09022015). Collection method: clinical testing. Allele origin: germline.

Blueprint Genetics
Classification: Likely benign. Last evaluated: 2024-09-13. Review status: criteria provided, single submitter. Criteria: ACMG Guidelines, 2015. Collection method: clinical testing. Allele origin: germline.

PreventionGenetics, part of Exact Sciences
Classification: Likely benign for FASN-related condition. Last evaluated: 2020-05-06. Review status: no assertion criteria provided. Collection method: clinical testing. Allele origin: germline. Not counted in ClinVar's aggregate classification.
Comment: This variant is classified as likely benign based on ACMG/AMP sequence variant interpretation guidelines (Richards et al. 2015 PMID: 25741868, with internal and published modifications).

NM_004104.5(FASN):c.7169T>G (p.Leu2390Arg)

Genes: FASN (fatty acid synthase; minus strand), LOC129390948 (MPRA-validated peak3028 silencer; plus strand). Cytogenetic location: 17q25.3.
Variant type: single nucleotide variant.
Coding change: c.7169T>G on transcript NM_004104.5 (MANE Select); coding-DNA position 7169, T replaced by G.
Protein change: p.Leu2390Arg; replaces leucine 2390 with arginine.
Molecular consequence: missense variant.
Genome position (GRCh38, 1-based): chr17:82,079,586, A>C on the plus strand (T>G on the coding strand, the complement: FASN is on the minus strand). VCF-style: chr17-82079586-A-C. GRCh37 (hg19) VCF-style: chr17-80037462-A-C.
Other names: short protein forms L2390R.
Identifiers: ClinVar variation 531101 (VCV000531101.15), dbSNP rs138021210, ClinGen allele CA8851075.